The following is an entry in ClinVar:

ClinVar aggregate classification (germline): Uncertain significance (1 of 4 stars; one submission).

Conditions:
UMOD-related disorder. Also called: UMOD-related condition.

Submission:

PreventionGenetics, part of Exact Sciences
Classification: Uncertain significance for UMOD-related condition. Last evaluated: 2025-10-23. Review status: criteria provided, single submitter. Criteria: ACMG Guidelines, 2015. Collection method: clinical testing. Allele origin: germline.
Comment: The UMOD c.746C>A variant is predicted to result in the amino acid substitution p.Ala249Glu. To our knowledge, this variant has not been reported in the literature or in a large population database (gnomAD), indicating this variant is rare. At this time, the clinical significance of this variant is uncertain due to the absence of conclusive functional and genetic evidence.

NM_003361.4(UMOD):c.746C>A (p.Ala249Glu)

Gene: UMOD (uromodulin; minus strand). Cytogenetic location: 16p12.3.
Variant type: single nucleotide variant.
Coding change: c.746C>A on transcript NM_003361.4 (MANE Select); coding-DNA position 746, C replaced by A.
Protein change: p.Ala249Glu; replaces alanine 249 with glutamic acid.
Molecular consequence: missense variant. On other transcripts: non-coding transcript variant (1).
Genome position (GRCh38, 1-based): chr16:20,348,555, G>T on the plus strand (C>A on the coding strand, the complement: UMOD is on the minus strand). VCF-style: chr16-20348555-G-T. GRCh37 (hg19) VCF-style: chr16-20359877-G-T.
Other names: c.746C>A, p.Ala249Glu (NM_001008389.3, NM_001378232.1, NM_001378233.1 and 3 more transcripts); c.845C>A, p.Ala282Glu (NM_001278614.2); short protein forms A249E, A282E.
Identifiers: ClinVar variation 4991186 (VCV004991186.1).